The following is an entry in ClinVar:

ClinVar aggregate classification (germline): Uncertain significance (1 of 4 stars; one submission).

Conditions:
Developmental and epileptic encephalopathy, 27 (DEE27). Also called: Epileptic encephalopathy, early infantile, 27; GRIN2B-Related Neurodevelopmental Disorder. Identifiers: Orphanet 3451, MedGen C4015316, MONDO:0014505, OMIM 616139.
Intellectual developmental disorder, autosomal dominant 6, with or without seizures. Also called: Intellectual disability, autosomal dominant 6; GRIN2B-related developmental delay, intellectual disability and autism spectrum disorder. Identifiers: Orphanet 589547, MedGen C3151411, MONDO:0013509, OMIM 613970.

Submission:

Juno Genomics, Hangzhou Juno Genomics, Inc
Classification: Uncertain significance for Developmental and epileptic encephalopathy, 27; Intellectual developmental disorder, autosomal dominant 6, with or without seizures. Review status: criteria provided, single submitter. Criteria: ACMG Guidelines, 2015. Collection method: clinical testing. Allele origin: germline.
Comment: Absent from controls (or at extremely low frequency if recessive) in Genome Aggregation Database.;Missense variant in a gene that has a low rate of benign missense variation.

NM_000834.5(GRIN2B):c.2194G>A (p.Asp732Asn)

Gene: GRIN2B (glutamate ionotropic receptor NMDA type subunit 2B; minus strand). Cytogenetic location: 12p13.1.
Variant type: single nucleotide variant.
Coding change: c.2194G>A on transcript NM_000834.5 (MANE Select); coding-DNA position 2194, G replaced by A.
Protein change: p.Asp732Asn; replaces aspartic acid 732 with asparagine.
Molecular consequence: missense variant.
Genome position (GRCh38, 1-based): chr12:13,569,995, C>T on the plus strand (G>A on the coding strand, the complement: GRIN2B is on the minus strand). VCF-style: chr12-13569995-C-T. GRCh37 (hg19) VCF-style: chr12-13722929-C-T.
Other names: c.2194G>A, p.Asp732Asn (NM_001413992.1); short protein forms D732N.
Identifiers: ClinVar variation 5005068 (VCV005005068.2).